The following is an entry in ClinVar:

NM_000421.5(KRT10):c.1355T>C (p.Leu452Pro)

Genes: KRT10 (keratin 10; minus strand), KRT10-AS1 (KRT10 antisense RNA 1; plus strand). Cytogenetic location: 17q21.2.
Variant type: single nucleotide variant.
Coding change: c.1355T>C on transcript NM_000421.5 (MANE Select); coding-DNA position 1355, T replaced by C.
Protein change: p.Leu452Pro; replaces leucine 452 with proline.
Molecular consequence: missense variant.
Genome position (GRCh38, 1-based): chr17:40,819,535, A>G on the plus strand (T>C on the coding strand, the complement: KRT10 is on the minus strand). VCF-style: chr17-40819535-A-G. GRCh37 (hg19) VCF-style: chr17-38975787-A-G.
Other names: c.1355T>C, p.Leu452Pro (NM_001379366.1); short protein forms L452P.
Identifiers: ClinVar variation 66166 (VCV000066166.2), dbSNP rs62651995, ClinGen allele CA216578.

ClinVar aggregate classification (germline): Likely pathogenic. Review status: criteria provided, single submitter (1 of 4 stars). 2 submissions from 2 submitters: Likely pathogenic (1). 1 of the submissions does not count toward it. Last evaluated 2026-04-03.

Submissions (2):

GeneDx
Classification: Likely pathogenic. Last evaluated: 2026-04-03. Review status: criteria provided, single submitter. Criteria: GeneDx Variant Classification Process June 2021. Collection method: clinical testing. Allele origin: germline.
Comment: Reported in individuals in the literature with epidermolytic hyperkeratosis, but full familial segregation information was not provided (PMID: 32706463, 10232402); Located in the highly conserved helix termination motif of the alpha-helical rod domain, which is intolerant to change; variants in this motif interfere with proper keratin intermediate filament assembly and function, resulting in skin fragility and/or hyperkeratosis (PMID: 21176769, 21271994, 26176760); Not observed at significant frequency in large population cohorts (gnomAD); In silico analysis supports that this missense variant has a deleterious effect on protein structure/function; This variant is associated with the following publications: (PMID: 27421141, 21176769, 21271994, 26176760, 32706463, 10232402)

Epithelial Biology;  Institute of Medical Biology, Singapore
No classification provided. Review status: no classification provided. Collection method: not provided. Allele origin: not provided. Not counted in ClinVar's aggregate classification.